The following is an entry in ClinVar:

NM_004667.6(HERC2):c.816G>A (p.Thr272=)

Gene: HERC2 (HECT and RLD domain containing E3 ubiquitin protein ligase 2; minus strand). Cytogenetic location: 15q13.1.
Variant type: single nucleotide variant.
Coding change: c.816G>A on transcript NM_004667.6 (MANE Select); coding-DNA position 816, G replaced by A.
Protein change: p.Thr272=; no amino-acid change (threonine 272 retained).
Molecular consequence: synonymous variant.
Genome position (GRCh38, 1-based): chr15:28,272,989, C>T on the plus strand (G>A on the coding strand, the complement: HERC2 is on the minus strand). VCF-style: chr15-28272989-C-T. GRCh37 (hg19) VCF-style: chr15-28518135-C-T.
Identifiers: ClinVar variation 2578732 (VCV002578732.25), dbSNP rs766763181, ClinGen allele CA267948577.

ClinVar aggregate classification (germline): Likely benign (1 of 4 stars; one submission).

Allele frequency attached by ClinVar (database versions not stated): gnomAD 0.00003; TOPMed 0.00005; ExAC 0.06002.
gnomAD v4.1: 19 of 1,612,186 alleles (0.0012%); highest among the groups gnomAD compares: African/African-American, 0.004%; no homozygotes.

Submission:

CeGaT Center for Human Genetics Tuebingen
Classification: Likely benign. Last evaluated: 2023-08-01. Review status: criteria provided, single submitter. Criteria: CeGaT Center For Human Genetics Tuebingen Variant Classification Criteria Version 2. Collection method: clinical testing. Allele origin: germline. Affected: yes. Observed: 1 variant allele.
Comment: HERC2: BP4, BP7